The following is an entry in ClinVar:

NM_001211.6(BUB1B):c.647T>G (p.Val216Gly)

Gene: BUB1B (BUB1 mitotic checkpoint serine/threonine kinase B; plus strand). Cytogenetic location: 15q15.1.
Variant type: single nucleotide variant.
Coding change: c.647T>G on transcript NM_001211.6 (MANE Select); coding-DNA position 647, T replaced by G.
Protein change: p.Val216Gly; replaces valine 216 with glycine.
Molecular consequence: missense variant.
Genome position (GRCh38, 1-based): chr15:40,183,779, T>G. VCF-style: chr15-40183779-T-G. GRCh37 (hg19) VCF-style: chr15-40475980-T-G.
Other names: short protein forms V216G.
Identifiers: ClinVar variation 1361093 (VCV001361093.8), dbSNP rs1203645365, ClinGen allele CA391683317.

ClinVar aggregate classification (germline): Uncertain significance. Review status: criteria provided, multiple submitters, no conflicts (2 of 4 stars). 2 submissions from 2 submitters: Uncertain significance (2). Last evaluated 2023-07-08.

Conditions:
Inborn genetic diseases. Identifiers: MedGen C0950123, MeSH D030342.
Mosaic variegated aneuploidy syndrome 1 (MVA1). Also called: Warburton-Anyane-Yeboa syndrome. Identifiers: Orphanet 1052, MedGen C1850343, MONDO:0009759, OMIM 257300.

Allele frequency attached by ClinVar (database versions not stated): gnomAD exomes below 0.00001; TOPMed 0.00004.
gnomAD v4.1: 3 of 1,614,038 alleles (0.00019%); highest among the groups gnomAD compares: Admixed American, 0.005%; no homozygotes.

Submissions (2):

Labcorp Genetics (formerly Invitae), Labcorp
Classification: Uncertain significance for Mosaic variegated aneuploidy syndrome 1. Last evaluated: 2023-07-08. Review status: criteria provided, single submitter. Criteria: Invitae Variant Classification Sherloc (09022015). Collection method: clinical testing. Allele origin: germline.
Comment: This sequence change replaces valine, which is neutral and non-polar, with glycine, which is neutral and non-polar, at codon 216 of the BUB1B protein (p.Val216Gly). This variant is present in population databases (no rsID available, gnomAD 0.003%). This variant has not been reported in the literature in individuals affected with BUB1B-related conditions. ClinVar contains an entry for this variant (Variation ID: 1361093). An algorithm developed to predict the effect of missense changes on protein structure and function (PolyPhen-2) suggests that this variant is likely to be tolerated. In summary, the available evidence is currently insufficient to determine the role of this variant in disease. Therefore, it has been classified as a Variant of Uncertain Significance.

Ambry Genetics
Classification: Uncertain significance for Inborn genetic diseases. Last evaluated: 2022-04-10. Review status: criteria provided, single submitter. Criteria: Ambry Variant Classification Scheme 2023. Collection method: clinical testing. Allele origin: germline.
Comment: The p.V216G variant (also known as c.647T>G), located in coding exon 6 of the BUB1B gene, results from a T to G substitution at nucleotide position 647. The valine at codon 216 is replaced by glycine, an amino acid with dissimilar properties. This amino acid position is conserved. In addition, this alteration is predicted to be tolerated by in silico analysis. Since supporting evidence is limited at this time, the clinical significance of this alteration remains unclear.